The following is an entry in ClinVar:

NM_018942.3(HMX1):c.484C>G (p.Arg162Gly)

Gene: HMX1 (H6 family homeobox 1; minus strand). Cytogenetic location: 4p16.1.
Variant type: single nucleotide variant.
Coding change: c.484C>G on transcript NM_018942.3 (MANE Select); coding-DNA position 484, C replaced by G.
Protein change: p.Arg162Gly; replaces arginine 162 with glycine.
Molecular consequence: missense variant. On other transcripts: intron variant (1).
Genome position (GRCh38, 1-based): chr4:8,868,256, G>C on the plus strand (C>G on the coding strand, the complement: HMX1 is on the minus strand). VCF-style: chr4-8868256-G-C. GRCh37 (hg19) VCF-style: chr4-8869982-G-C.
Other names: c.394+2965C>G (NM_001306142.2); short protein forms R162G.
Identifiers: ClinVar variation 847798 (VCV000847798.9), dbSNP rs1356972733, ClinGen allele CA356278496.

ClinVar aggregate classification (germline): Uncertain significance (1 of 4 stars; one submission).

Allele frequency attached by ClinVar (database versions not stated): TOPMed 0.00002.
gnomAD v4.1: 8 of 1,446,676 alleles (0.00055%); highest among the groups gnomAD compares: Non-Finnish European, 0.00072%; no homozygotes.

Submission:

Labcorp Genetics (formerly Invitae), Labcorp
Classification: Uncertain significance. Last evaluated: 2025-07-28. Review status: criteria provided, single submitter. Criteria: Invitae Variant Classification Sherloc (09022015). Collection method: clinical testing. Allele origin: germline.
Comment: This sequence change replaces arginine, which is basic and polar, with glycine, which is neutral and non-polar, at codon 162 of the HMX1 protein (p.Arg162Gly). The frequency data for this variant in the population databases is considered unreliable, as metrics indicate poor data quality at this position in the gnomAD database. This variant has not been reported in the literature in individuals affected with HMX1-related conditions. ClinVar contains an entry for this variant (Variation ID: 847798). Invitae Evidence Modeling of protein sequence and biophysical properties (such as structural, functional, and spatial information, amino acid conservation, physicochemical variation, residue mobility, and thermodynamic stability) indicates that this missense variant is not expected to disrupt HMX1 protein function with a negative predictive value of 80%. In summary, the available evidence is currently insufficient to determine the role of this variant in disease. Therefore, it has been classified as a Variant of Uncertain Significance.